The following is an entry in ClinVar:

NM_033380.3(COL4A5):c.4964T>G (p.Leu1655Arg)

Gene: COL4A5 (collagen type IV alpha 5 chain; plus strand). Cytogenetic location: Xq22.3.
Variant type: single nucleotide variant.
Coding change: c.4964T>G on transcript NM_033380.3 (MANE Select); coding-DNA position 4964, T replaced by G.
Protein change: p.Leu1655Arg; replaces leucine 1655 with arginine.
Molecular consequence: missense variant.
Genome position (GRCh38, 1-based): chrX:108,695,409, T>G. VCF-style: chrX-108695409-T-G. GRCh37 (hg19) VCF-style: chrX-107938639-T-G.
Other names: c.4946T>G, p.Leu1649Arg (NM_000495.5); short protein forms L1649R, L1655R.
Identifiers: ClinVar variation 10466 (VCV000010466.38), dbSNP rs104886303, ClinGen allele CA340979.
Genomic context (GRCh38, chrX:108,695,409, plus strand): 5'-TCATCGAATGTCATGGGAGGGGTACCTGTAACTACTATGCCAACTCCTACAGCTTTTGGC[T>G]GGCAACTGTAGATGTGTCAGACATGTTCAGGTAAAGTGCTTATAGCTTTAATTCAGGTCC-3'
Protein context (NP_203699.1, residues 1645-1665): NYYANSYSFW[Leu1655Arg]ATVDVSDMFS

ClinVar aggregate classification (germline): Pathogenic/Likely pathogenic. Review status: criteria provided, multiple submitters, no conflicts (2 of 4 stars). 12 submissions from 12 submitters: Pathogenic (9); Likely pathogenic (1). 2 of the submissions do not count toward it. Last evaluated 2026-07-01.

Conditions:
COL4A5-related disorder. Also called: COL4A5-related condition.
COL4A5-related disorders.
Alport syndrome. Also called: Hemorrhagic familial nephritis; Hemorrhagic hereditary nephritis; Congenital hereditary hematuria. Identifiers: Orphanet 63, MedGen C1567741, MONDO:0018965.
X-linked Alport syndrome (ATS1). Also called: COL4A5-Related Nephropathy; NEPHROPATHY AND DEAFNESS, X-LINKED. Identifiers: Orphanet 63, Orphanet 88917, MedGen C4746986, MONDO:0010520, OMIM 301050.

Allele frequency attached by ClinVar (database versions not stated): ExAC 0.00001; TOPMed 0.00001.

Submissions (12):

PreventionGenetics, part of Exact Sciences
Classification: Pathogenic for COL4A5-related condition. Last evaluated: 2026-07-01. Review status: criteria provided, single submitter. Criteria: ACMG Guidelines, 2015. Collection method: clinical testing. Allele origin: germline.
Comment: The COL4A5 c.4946T>G variant is predicted to result in the amino acid substitution p.Leu1649Arg. This variant has been reported in multiple individuals with Alport syndrome (see for example, Barker et al. 1996. PubMed ID: 8651292; Pont-Kingdon et al. 2009. PubMed ID: 19919694; Yao et al. 2019. PubMed ID: 30647093). At PreventionGenetics, we have observed this variant in many unrelated individuals with features of COL4A5-related disorders (internal data). This variant has not been reported in a large population database (gnomAD), indicating this variant is rare. This variant is interpreted as pathogenic.

Labcorp Genetics (formerly Invitae), Labcorp
Classification: Pathogenic. Last evaluated: 2026-01-21. Review status: criteria provided, single submitter. Criteria: Invitae Variant Classification Sherloc (09022015). Collection method: clinical testing. Allele origin: germline.
Comment: This sequence change replaces leucine, which is neutral and non-polar, with arginine, which is basic and polar, at codon 1649 of the COL4A5 protein (p.Leu1649Arg). This variant is not present in population databases (gnomAD no frequency). This missense change has been observed in individuals with Alport syndrome (PMID: 8651292, 23572034). It has also been observed to segregate with disease in related individuals. ClinVar contains an entry for this variant (Variation ID: 10466). Invitae Evidence Modeling of protein sequence and biophysical properties (such as structural, functional, and spatial information, amino acid conservation, physicochemical variation, residue mobility, and thermodynamic stability) indicates that this missense variant is expected to disrupt COL4A5 protein function with a positive predictive value of 95%. Experimental studies have shown that this missense change affects COL4A5 function (PMID: 18083113). For these reasons, this variant has been classified as Pathogenic.

Natera, Inc.
Classification: Likely pathogenic for X-linked Alport syndrome. Last evaluated: 2024-04-16. Review status: criteria provided, single submitter. Criteria: Natera Variant Classification Schema (03/2026). Collection method: clinical testing. Allele origin: germline.
Comment: The c.4946T>G variant in COL4A5 is a missense variant predicted to cause substitution of leucine to arginine at amino acid 1649. This variant is rare in the general population with a frequency below the threshold expected for the associated phenotype(s). This variant has been observed in affected individual(s) with monoallelic occurrence (heterozygous/hemizygous) (PMID: 9749944, 20378821, 23572034). Additionally, this variant has been observed to segregate in affected family members (PMID: 8651292, 11223851). Computational prediction algorithms indicate this variant is likely to affect gene or protein function. Given the available evidence, this variant is classified as Likely Pathogenic.

Mayo Clinic Laboratories, Mayo Clinic
Classification: Pathogenic. Last evaluated: 2022-08-25. Review status: criteria provided, single submitter. Criteria: ACMG Guidelines, 2015. Collection method: clinical testing. Allele origin: germline. Observed: 1 variant allele.
Comment: PP3, PM2

GeneDx
Classification: Pathogenic. Last evaluated: 2021-11-15. Review status: criteria provided, single submitter. Criteria: GeneDx Variant Classification Process June 2021. Collection method: clinical testing. Allele origin: germline. Affected: yes.
Comment: In silico analysis, which includes protein predictors and evolutionary conservation, supports a deleterious effect; Not observed in large population cohorts (Lek et al., 2016); Also known as p.(L1649R) due to alternative nomenclature; Individuals previously reported with this variant were noted to have relatively mild Alport syndrome with onset in the 4th or 5th decade, with late hearing loss approximately 10 years after the onset of renal failure (Barker et al, 1996); This variant is associated with the following publications: (PMID: 17396119, 24470729, 19919694, 20301386, 18083113, 8651292, 27627812, 30647093, 23572034, 11223851, 9848783)

Athena Diagnostics
Classification: Pathogenic. Last evaluated: 2021-04-14. Review status: criteria provided, single submitter. Criteria: Athena Diagnostics criteria. Collection method: clinical testing. Allele origin: unknown.
Comment: This variant has not been reported in large, multi-ethnic general populations. In some published literature, this variant is referred to as c.5148T>G, p.L1649R. This variant has been identified in multiple unrelated individuals with clinical features associated with this gene. This variant segregates with disease in at least one family. Assessment of experimental evidence suggests this variant results in abnormal protein function. Introduction of this variant into the mouse homologue resulted in defective formation of the collagen heterotrimer (PMID: 18083113). Computational tools predict that this variant is damaging.

ARUP Laboratories, Molecular Genetics and Genomics, ARUP Laboratories
Classification: Pathogenic for X-linked Alport syndrome. Last evaluated: 2021-01-04. Review status: criteria provided, single submitter. Criteria: ARUP Molecular Germline Variant Investigation Process 2021. Collection method: clinical testing. Allele origin: germline.
Comment: The COL4A5 c.4946T>G; p.Leu1649Arg variant (rs104886303), also reported as Leu1655Arg, has been described in multiple individuals and families affected with Alport syndrome and is associated with a mild phenotype presenting in adulthood (Barker 1996, Barker 2001, Kobayashi 2008, Martin 1998, Pont-Kingdon 2009). It is reported as pathogenic by multiple sources in ClinVar (Variation ID: 10466), and is absent from general population databases (Exome Variant Server and Genome Aggregation Database), indicating it is not a common polymorphism. The leucine at codon 1649 is highly conserved, and computational algorithms (PolyPhen-2, SIFT) predict that this variant is deleterious. In agreement with this, in vitro analysis of the variant protein demonstrates defective trimerization, leading to secretion of a less stable monomeric alpha chain (Kobayashi 2008). Based on available information, this variant is considered pathogenic. REFERENCES Barker D et al. A mutation causing Alport syndrome with tardive hearing loss is common in the western United States. Am J Hum Genet. 1996 Jun;58(6):1157-65. Barker D et al. Efficient detection of Alport syndrome COL4A5 mutations with multiplex genomic PCR-SSCP. Am J Med Genet. 2001 Jan 15;98(2):148-60. Kobayashi T et al. Mutational analysis of type IV collagen alpha5 chain, with respect to heterotrimer formation. Biochem Biophys Res Commun. 2008 Feb 1;366(1):60-5. Martin P et al. High mutation detection rate in the COL4A5 collagen gene in suspected Alport syndrome using PCR and direct DNA sequencing. J Am Soc Nephrol. 1998 Dec;9(12):2291-301. Pont-Kingdon G et al. Molecular testing for adult type Alport syndrome. BMC Nephrol. 2009 Nov 17;10:38.

Blueprint Genetics
Classification: Pathogenic for COL4A5-related disorders. Last evaluated: 2020-03-05. Review status: criteria provided, single submitter. Criteria: ACMG Guidelines, 2015. Collection method: clinical testing. Allele origin: germline. Affected: yes. Observed: 5 variant alleles.

Fulgent Genetics
Classification: Pathogenic for X-linked Alport syndrome. Last evaluated: 2018-10-31. Review status: criteria provided, single submitter. Criteria: ACMG Guidelines, 2015. Collection method: clinical testing. Allele origin: unknown.

UNC Molecular Genetics  Laboratory, University of North Carolina at Chapel Hill
Classification: Pathogenic for Alport syndrome. Last evaluated: 2018-10-31. Review status: criteria provided, single submitter. Criteria: ACMG Guidelines, 2015. Collection method: clinical testing. Allele origin: germline. Affected: yes. Observed: 1 hemizygote.

OMIM
Classification: Pathogenic for ALPORT SYNDROME 1, X-LINKED. Last evaluated: 1996-06-01. Review status: no assertion criteria provided. Collection method: literature only. Allele origin: germline. Not counted in ClinVar's aggregate classification.

GeneReviews
No classification provided. Condition: X-linked Alport syndrome. Review status: no classification provided. Collection method: literature only. Allele origin: unknown. Not counted in ClinVar's aggregate classification.

Literature cited by the submitters: PubMed 8651292 (cited by 6 submitters); PubMed 23572034 (cited by Labcorp Genetics (formerly Invitae), Labcorp and Natera, Inc.); PubMed 18083113 (cited by Labcorp Genetics (formerly Invitae), Labcorp and Athena Diagnostics); PubMed 9749944 (cited by Natera, Inc.); PubMed 20378821 (cited by Natera, Inc.); PubMed 11223851 (cited by Natera, Inc. and Athena Diagnostics); PubMed 19919694 (cited by Mayo Clinic Laboratories, Mayo Clinic and Athena Diagnostics); PubMed 24470729 (cited by Mayo Clinic Laboratories, Mayo Clinic); PubMed 27627812 (cited by Mayo Clinic Laboratories, Mayo Clinic and Athena Diagnostics); PubMed 28864840 (cited by Mayo Clinic Laboratories, Mayo Clinic); PubMed 30647093 (cited by Mayo Clinic Laboratories, Mayo Clinic); PubMed 9848783 (cited by Athena Diagnostics and UNC Molecular Genetics  Laboratory, University of North Carolina at Chapel Hill); PubMed 20301386 (cited by GeneReviews); NCBI Bookshelf NBK1207 (cited by GeneReviews).